The following is an entry in ClinVar:

NM_000059.4(BRCA2):c.3717A>C (p.Lys1239Asn)

Gene: BRCA2 (BRCA2 DNA repair associated; plus strand). Cytogenetic location: 13q13.1.
Variant type: single nucleotide variant.
Coding change: c.3717A>C on transcript NM_000059.4 (MANE Select); coding-DNA position 3717, A replaced by C.
Protein change: p.Lys1239Asn; replaces lysine 1239 with asparagine.
Molecular consequence: missense variant. On other transcripts: non-coding transcript variant (1), intron variant (2).
Genome position (GRCh38, 1-based): chr13:32,338,072, A>C. VCF-style: chr13-32338072-A-C. GRCh37 (hg19) VCF-style: chr13-32912209-A-C.
Other names: K1239N; 3945A>C; c.3717A>C, p.Lys1239Asn (NM_001406719.1, NM_001406720.1); c.1909+4685A>C (NM_001406721.1); c.425-6486A>C (NM_001406722.1).
Identifiers: ClinVar variation 91807 (VCV000091807.4), dbSNP rs141196976, ClinGen allele CA018650.

ClinVar aggregate classification (germline): Uncertain significance. Review status: criteria provided, single submitter (1 of 4 stars). 2 submissions from 2 submitters: Uncertain significance (1). 1 of the submissions does not count toward it. Last evaluated 2023-05-24.

Conditions:
Hereditary cancer-predisposing syndrome. Also called: Tumor predisposition; Hereditary Cancer Syndrome; Neoplastic Syndromes, Hereditary; Hereditary neoplastic syndrome. Identifiers: Orphanet 140162, MedGen C0027672, MeSH D009386, MONDO:0015356.
Breast-ovarian cancer, familial, susceptibility to, 2 (BROVCA2). Also called: BRCA2 Hereditary Breast and Ovarian Cancer. Identifiers: Orphanet 145, MedGen C2675520, MONDO:0012933, OMIM 612555. Disease mechanism: loss of function.

Submissions (2):

Ambry Genetics
Classification: Uncertain significance for Hereditary cancer-predisposing syndrome. Last evaluated: 2023-05-24. Review status: criteria provided, single submitter. Criteria: Ambry Variant Classification Scheme 2023. Collection method: clinical testing. Allele origin: germline.
Comment: The p.K1239N variant (also known as c.3717A>C), located in coding exon 10 of the BRCA2 gene, results from an A to C substitution at nucleotide position 3717. The lysine at codon 1239 is replaced by asparagine, an amino acid with similar properties. This amino acid position is well conserved in available vertebrate species. In addition, this alteration is predicted to be tolerated by in silico analysis. Since supporting evidence is limited at this time, the clinical significance of this alteration remains unclear.

Sharing Clinical Reports Project (SCRP)
Classification: Uncertain significance for Breast-ovarian cancer, familial 2. Last evaluated: 2008-10-09. Review status: no assertion criteria provided. Collection method: clinical testing. Allele origin: germline. Not counted in ClinVar's aggregate classification.